The following is an entry in ClinVar:

ClinVar aggregate classification (germline): Uncertain significance (1 of 4 stars; one submission).

Conditions:
RASopathy. Also called: rasopathies; Noonan spectrum disorder. Identifiers: Orphanet 536391, MedGen C5555857, MONDO:0021060.

Allele frequency attached by ClinVar (database versions not stated): gnomAD exomes below 0.00001.
gnomAD v4.1: 1 of 1,613,652 alleles (0.000062%); highest among the groups gnomAD compares: South Asian, 0.0011%; no homozygotes.

Submission:

Labcorp Genetics (formerly Invitae), Labcorp
Classification: Uncertain significance for RASopathy. Last evaluated: 2021-04-30. Review status: criteria provided, single submitter. Criteria: Invitae Variant Classification Sherloc (09022015). Collection method: clinical testing. Allele origin: germline.
Comment: In summary, the available evidence is currently insufficient to determine the role of this variant in disease. Therefore, it has been classified as a Variant of Uncertain Significance. Algorithms developed to predict the effect of missense changes on protein structure and function (SIFT, PolyPhen-2, Align-GVGD) all suggest that this variant is likely to be tolerated, but these predictions have not been confirmed by published functional studies and their clinical significance is uncertain. This variant has not been reported in the literature in individuals with SOS1-related conditions. This variant is not present in population databases (ExAC no frequency). This sequence change replaces methionine with threonine at codon 446 of the SOS1 protein (p.Met446Thr). The methionine residue is moderately conserved and there is a moderate physicochemical difference between methionine and threonine.

NM_005633.4(SOS1):c.1337T>C (p.Met446Thr)

Gene: SOS1 (SOS Ras/Rac guanine nucleotide exchange factor 1; minus strand). Cytogenetic location: 2p22.1.
Variant type: single nucleotide variant.
Coding change: c.1337T>C on transcript NM_005633.4 (MANE Select); coding-DNA position 1337, T replaced by C.
Protein change: p.Met446Thr; replaces methionine 446 with threonine.
Molecular consequence: missense variant.
Genome position (GRCh38, 1-based): chr2:39,023,091, A>G on the plus strand (T>C on the coding strand, the complement: SOS1 is on the minus strand). VCF-style: chr2-39023091-A-G. GRCh37 (hg19) VCF-style: chr2-39250232-A-G.
Other names: c.1316T>C, p.Met439Thr (NM_001382394.1); c.1337T>C, p.Met446Thr (NM_001382395.1); short protein forms M439T, M446T.
Identifiers: ClinVar variation 1478968 (VCV001478968.8), dbSNP rs1669849037, ClinGen allele CA346366398.
Genomic context (GRCh38, chr2:39,023,091, plus strand): 5'-CCATCAAAGAGAAATATGTGTCTCTCATGTTTGGCTCCTACACGTGTAAGAGTTCCTTCC[A>G]TTATAAATTCATTACAACACTGTCCAATGTCTTTTCCCTCCCAACCATCAATATTCTTCT-3'
Protein context (NP_005624.2, residues 436-456): DIGQCCNEFI[Met446Thr]EGTLTRVGAK